The following is an entry in ClinVar:

NM_000512.5(GALNS):c.812T>C (p.Leu271Pro)

Gene: GALNS (galactosamine (N-acetyl)-6-sulfatase; minus strand). Cytogenetic location: 16q24.3.
Variant type: single nucleotide variant.
Coding change: c.812T>C on transcript NM_000512.5 (MANE Select); coding-DNA position 812, T replaced by C.
Protein change: p.Leu271Pro; replaces leucine 271 with proline.
Molecular consequence: missense variant.
Genome position (GRCh38, 1-based): chr16:88,835,299, A>G on the plus strand (T>C on the coding strand, the complement: GALNS is on the minus strand). VCF-style: chr16-88835299-A-G. GRCh37 (hg19) VCF-style: chr16-88901707-A-G.
Other names: c.257T>C, p.Leu86Pro (NM_001323543.2); c.830T>C, p.Leu277Pro (NM_001323544.2); short protein forms L271P, L277P, L86P.
Identifiers: ClinVar variation 1048419 (VCV001048419.3), dbSNP rs1912001607, ClinGen allele CA397076444.

ClinVar aggregate classification (germline): Uncertain significance (1 of 4 stars; one submission).

Conditions:
Mucopolysaccharidosis, MPS-IV-A (MPS4A). Also called: Mucopolysaccharidosis type IV A; Mucopolysaccharidosis Type IVA; Morquio syndrome A, mild; MORQUIO SYNDROME A; MPS IVA; mucopolysaccharidosis type 4A. Identifiers: Orphanet 309297, Orphanet 582, MedGen C0086651, MONDO:0009659, OMIM 253000.

Submission:

Laboratory of Diagnosis and Therapy of Lysosomal Disorders, University of Padova
Classification: Uncertain significance for Mucopolysaccharidosis, MPS-IV-A. Last evaluated: 2021-02-01. Review status: criteria provided, single submitter. Criteria: ACMG Guidelines, 2015. Collection method: curation. Allele origin: germline. Affected: yes.
Comment: Absent from gnomAD v2.1.1 (PM2_moderate)

Literature cited by the submitters: PubMed 31200731; PubMed 34387910.